The following is an entry in ClinVar:

NM_000180.4(GUCY2D):c.307G>A (p.Glu103Lys)

Gene: GUCY2D (guanylate cyclase 2D, retinal; plus strand). Cytogenetic location: 17p13.1.
Variant type: single nucleotide variant.
Coding change: c.307G>A on transcript NM_000180.4 (MANE Select); coding-DNA position 307, G replaced by A.
Protein change: p.Glu103Lys; replaces glutamic acid 103 with lysine.
Molecular consequence: missense variant.
Genome position (GRCh38, 1-based): chr17:8,003,354, G>A. VCF-style: chr17-8003354-G-A. GRCh37 (hg19) VCF-style: chr17-7906672-G-A.
Other names: NM_000180.4(GUCY2D):c.307G>A; p.Glu103Lys; short protein forms E103K.
Identifiers: ClinVar variation 98590 (VCV000098590.23), dbSNP rs61749668, ClinGen allele CA226122.

ClinVar aggregate classification (germline): Likely pathogenic. Review status: reviewed by expert panel (3 of 4 stars). 14 submissions from 14 submitters: Likely pathogenic (1). 13 of the submissions do not count toward it. Last evaluated 2025-01-30.

Conditions:
GUCY2D-related disorders.
GUCY2D-related recessive retinopathy. Also called: Recessive GUCY2D retinopathy. Identifiers: MedGen CN305603, MONDO:0100453.
GUCY2D-related disorder. Also called: GUCY2D-related condition.
Choroidal dystrophy, central areolar, 1. Identifiers: Orphanet 75377, MedGen C4551884, MONDO:0024539, OMIM 215500.
Cone-rod dystrophy 6 (CORD6). Also called: RETINAL CONE DYSTROPHY 2; Cone dystrophy progressive. Identifiers: Orphanet 1872, MedGen C1866293, MONDO:0011143, OMIM 601777.
Leber congenital amaurosis 1 (LCA1). Also called: RETINAL BLINDNESS, CONGENITAL; Congenital absence of the rods and cones; Leber's congenital tapetoretinal degeneration; Leber's congenital tapetoretinal dysplasia; AMAUROSIS CONGENITA OF LEBER I. Identifiers: Orphanet 65, MedGen C2931258, MONDO:0008764, OMIM 204000.
Night blindness, congenital stationary, type1i. Also called: NIGHT BLINDNESS, CONGENITAL STATIONARY, TYPE 1I. Identifiers: MedGen C5231408, MONDO:0032811, OMIM 618555.
Leber congenital amaurosis (LCA). Also called: Leber's amaurosis. Identifiers: Orphanet 65, MedGen C0339527, MeSH D057130, MONDO:0018998.
Cone dystrophy. Identifiers: Orphanet 1871, MedGen C0730290, MONDO:0000455.

Allele frequency attached by ClinVar (database versions not stated): gnomAD 0.00003 and 0.00004; TOPMed 0.00004.
gnomAD v4.1: 257 of 1,469,548 alleles (0.017%); highest among the groups gnomAD compares: Non-Finnish European, 0.023%; no homozygotes.

Submissions 1 to 6 of 14:

ClinGen Leber Congenital Amaurosis/early Onset Retinal Dystrophy Variant Curation Expert Panel, ClinGen
Classification: Likely pathogenic for GUCY2D-related recessive retinopathy. Last evaluated: 2025-01-30. Review status: reviewed by expert panel. Criteria: ClinGen LCAeoRD ACMG Specifications GUCY2D V1.0.0. Collection method: curation. Allele origin: germline. Inheritance: Autosomal recessive inheritance.
Comment: NM_000180.4(GUCY2D):c.307G>A (p.Glu103Lys) is a missense variant that is predicted to replace glutamic acid with lysine at position p.103. Another missense variant in the same codon, NM_000180.4(GUCY2D):c.308A>T (p.Glu103Val), has been reported in association with GUCY2D-related recessive retinopathy (PMID: 21602930), and splicing prediction using SpliceAI did not strongly predict an effect on splicing due to either of these variants. However, this second variant has not yet been classified by the ClinGen LCA / eoRD VCEP, so PM5 is not met. This variant is present in gnomAD v.4.1.0 at a total allele frequency of 0.0001749, with 257 alleles / 1,469,548 total alleles, which is lower than the ClinGen LCA/eoRD VCEP PM2_Supporting threshold of <0.0004 (PM2_Supporting). This variant has been reported in at least 2 apparently unrelated probands with early-onset severe retinal dystrophy who were compound heterozygous with either the NM_000180.4(GUCY2D):c.2595del (p.Lys866fs) variant or the NM_000180.4(GUCY2D):c.91dup (p.Arg31fs) variant confirmed in trans, which were previously classified pathogenic by the ClinGen LCA/eoRD VCEP (2 points, PMID: 29178642, PM3_Strong). The variant has been reported to segregate with childhood-onset severe retinal dystrophy through the proband plus 1 similarly affected relative, with the variant present in the compound heterozygous state (PMID: 31704230, PP1). At least one proband harboring this variant exhibits a phenotype including diagnosis of LCA (0.5 pts), nystagmus (1 pt), visual acuity limited to light perception (1 pt) since birth (1 pt), flat ERG responses from both rods (0.5 pts) and cones (1 pt), high hypermetropia, being drawn to bright light, sluggish pupillary responses (0.5 pts), eye poking, and normal appearing fundus with some abnormality in the reflection from the inner limiting membrane at high magnification, which together are specific for GUCY2D-related recessive retinopathy (total 5.5 points, PMID: 29178642, PP4). The computational predictor REVEL gives a score of 0.547, which is below the ClinGen LCA/eoRD VCEP threshold of ≥0.644 and does not predict a damaging effect on RetGC-1 protein function. Additionally, the splicing impact predictor SpliceAI gives a score of 0.00, which is below the ClinGen LCA/eoRD VCEP recommended threshold of ≥0.2 and does not strongly predict an impact on splicing. In summary, this variant meets the criteria to be classified as likely pathogenic for GUCY2D-related recessive retinopathy based on the ACMG/AMP criteria applied, as specified by the ClinGen LCA/eoRD VCEP: PM2_Supporting, PM3_Strong, PP1 and PP4. (VCEP specifications version 1.0.0; date of approval 01/22/2025).

PreventionGenetics, part of Exact Sciences
Classification: Likely pathogenic for GUCY2D-related condition. Last evaluated: 2026-07-30. Review status: criteria provided, single submitter. Criteria: ACMG Guidelines, 2015. Collection method: clinical testing. Allele origin: germline. Not counted in ClinVar's aggregate classification.
Comment: The GUCY2D c.307G>A variant is predicted to result in the amino acid substitution p.Glu103Lys. This variant has been reported in the compound heterozygous state in multiple individuals with Leber congenital amaurosis or unspecified retinal disease (see for examples: Carss et al. 2017. PubMed ID: 28041643; Thompson et al. 2017. PubMed ID: 29178642; Table S1, Lin et al. 2024. PubMed ID: 38219857). This variant is present in 0.0070% of alleles in individuals of European (Non-Finnish) descent in gnomAD. This variant is interpreted as likely pathogenic.

Variantyx, Inc.
Classification: Likely pathogenic for Leber congenital amaurosis 1. Last evaluated: 2025-11-12. Review status: criteria provided, single submitter. Criteria: Variantyx Assertion Criteria 2022. Collection method: clinical testing. Allele origin: germline. Inheritance: Autosomal recessive inheritance. Affected: yes. Not counted in ClinVar's aggregate classification.
Comment: This is a nonsynonymous variant in the GUCY2D gene (OMIM: 600179). Pathogenic variants in this gene have been associated with autosomal recessive Leber congenital amaurosis 1. The clinical symptoms reported for this individual are highly specific for autosomal recessive Leber congenital amaurosis 1, which has a limited genetic etiology (PMID: 29178642) (PP4). This variant has been identified in the homozygous or compound heterozygous state in the current proband, and at least 2 individuals reported in the published literature (PMID: 29178642)(PM3_Strong) and it has been observed to segregate with disease in at least 2 individuals from one family (PMID: 31704230) (PP1). This variant has a 0.0227% maximum allele frequency in non-founder control populations (PM2). Based on the CSPEC guidelines¬†this variant is classified as likely pathogenic for autosomal recessive Leber congenital amaurosis 1.

Labcorp Genetics (formerly Invitae), Labcorp
Classification: Pathogenic for Leber congenital amaurosis 1; Cone-rod dystrophy 6. Last evaluated: 2025-08-11. Review status: criteria provided, single submitter. Criteria: Invitae Variant Classification Sherloc (09022015). Collection method: clinical testing. Allele origin: germline. Not counted in ClinVar's aggregate classification.
Comment: This sequence change replaces glutamic acid, which is acidic and polar, with lysine, which is basic and polar, at codon 103 of the GUCY2D protein (p.Glu103Lys). The frequency data for this variant in the population databases is considered unreliable, as metrics indicate poor data quality at this position in the gnomAD database. This missense change has been observed in individual(s) with autosomal recessive GUCY2D-related conditions (PMID: 28041643, 29178642; internal data). In at least one individual the data is consistent with being in trans (on the opposite chromosome) from a pathogenic variant. ClinVar contains an entry for this variant (Variation ID: 98590). Invitae Evidence Modeling of protein sequence and biophysical properties (such as structural, functional, and spatial information, amino acid conservation, physicochemical variation, residue mobility, and thermodynamic stability) indicates that this missense variant is not expected to disrupt GUCY2D protein function with a negative predictive value of 80%. This variant disrupts the p.Glu103 amino acid residue in GUCY2D. Other variant(s) that disrupt this residue have been determined to be pathogenic (PMID: 21602930, 34048777). This suggests that this residue is clinically significant, and that variants that disrupt this residue are likely to be disease-causing. For these reasons, this variant has been classified as Pathogenic.

Fulgent Genetics
Classification: Pathogenic for Leber congenital amaurosis 1; Choroidal dystrophy, central areolar, 1; Cone-rod dystrophy 6; Night blindness, congenital stationary, type1i. Last evaluated: 2024-05-17. Review status: criteria provided, single submitter. Criteria: ACMG Guidelines, 2015. Collection method: clinical testing. Allele origin: germline. Not counted in ClinVar's aggregate classification.

Women's Health and Genetics/Laboratory Corporation of America, LabCorp
Classification: Pathogenic for Leber congenital amaurosis. Last evaluated: 2024-05-16. Review status: criteria provided, single submitter. Criteria: LabCorp Variant Classification Summary - May 2015. Collection method: clinical testing. Allele origin: germline. Not counted in ClinVar's aggregate classification.
Comment: Variant summary: GUCY2D c.307G>A (p.Glu103Lys) results in a conservative amino acid change located in the Receptor, ligand binding region (IPR001828) of the encoded protein sequence. Three of five in-silico tools predict a damaging effect of the variant on protein function. The frequency data for this variant in gnomAD is considered unreliable, as metrics indicate poor data quality at this position. c.307G>A has been reported in the literature in multiple individuals affected with Leber Congenital Amaurosis (example, Bouzia_2019). These data indicate that the variant is likely to be associated with disease. To our knowledge, no experimental evidence demonstrating an impact on protein function has been reported. Additionally, at least one variant at the Glu103 residue has been reported as associated with disease in ClinVar (p.Glu103Val), suggesting that this codon is functionally important. These data indicate that the variant is very likely to be associated with disease. The following publication have been ascertained in the context of this evaluation (PMID: 31704230). ClinVar contains an entry for this variant (Variation ID: 98590). Based on the evidence outlined above, the variant was classified as pathogenic.